The following is an entry in ClinVar:

NM_015330.6(SPECC1L):c.1507C>T (p.Arg503Cys)

Genes: SPECC1L (sperm antigen with calponin homology and coiled-coil domains 1 like; plus strand), SPECC1L-ADORA2A (SPECC1L-ADORA2A readthrough (NMD candidate); plus strand). Cytogenetic location: 22q11.23.
Variant type: single nucleotide variant.
Coding change: c.1507C>T on transcript NM_015330.6 (MANE Select); coding-DNA position 1507, C replaced by T.
Protein change: p.Arg503Cys; replaces arginine 503 with cysteine.
Molecular consequence: missense variant. On other transcripts: non-coding transcript variant (1).
Genome position (GRCh38, 1-based): chr22:24,322,487, C>T. VCF-style: chr22-24322487-C-T. GRCh37 (hg19) VCF-style: chr22-24718455-C-T.
Other names: c.1507C>T, p.Arg503Cys (NM_001145468.4, NM_001254732.3); short protein forms R503C.
Identifiers: ClinVar variation 3614046 (VCV003614046.2).

ClinVar aggregate classification (germline): Uncertain significance (1 of 4 stars; one submission).

gnomAD v4.1: 5 of 1,614,080 alleles (0.00031%); highest among the groups gnomAD compares: East Asian, 0.0022%; no homozygotes.

Submission:

Labcorp Genetics (formerly Invitae), Labcorp
Classification: Uncertain significance. Last evaluated: 2024-03-27. Review status: criteria provided, single submitter. Criteria: Invitae Variant Classification Sherloc (09022015). Collection method: clinical testing. Allele origin: germline.
Comment: This sequence change replaces arginine, which is basic and polar, with cysteine, which is neutral and slightly polar, at codon 503 of the SPECC1L protein (p.Arg503Cys). This variant is not present in population databases (gnomAD no frequency). This variant has not been reported in the literature in individuals affected with SPECC1L-related conditions. An algorithm developed to predict the effect of missense changes on protein structure and function (PolyPhen-2) suggests that this variant is likely to be disruptive. In summary, the available evidence is currently insufficient to determine the role of this variant in disease. Therefore, it has been classified as a Variant of Uncertain Significance.